The following is an entry in ClinVar:

ClinVar aggregate classification (germline): Conflicting classifications of pathogenicity. Review status: criteria provided, conflicting classifications (1 of 4 stars). 4 submissions from 4 submitters: Uncertain significance (2); Likely benign (2). Last evaluated 2025-08-30.

Conditions:
Inborn genetic diseases. Identifiers: MedGen C0950123, MeSH D030342.

Allele frequency attached by ClinVar (database versions not stated): ExAC 0.00003; gnomAD 0.00003; TOPMed 0.00006; ESP Exome Variant Server 0.00008; gnomAD exomes 0.00022.
gnomAD v4.1: 323 of 1,607,374 alleles (0.02%); highest among the groups gnomAD compares: Non-Finnish European, 0.026%; no homozygotes.

Submissions (4):

Ambry Genetics
Classification: Likely benign for Inborn genetic diseases. Last evaluated: 2025-08-30. Review status: criteria provided, single submitter. Criteria: Ambry Variant Classification Scheme 2023. Collection method: clinical testing. Allele origin: germline.

GeneDx
Classification: Uncertain significance. Last evaluated: 2025-03-29. Review status: criteria provided, single submitter. Criteria: GeneDx Variant Classification Process June 2021. Collection method: clinical testing. Allele origin: germline. Affected: yes.
Comment: In silico analysis indicates that this missense variant does not alter protein structure/function; Has not been previously published as pathogenic or benign to our knowledge

Blueprint Genetics
Classification: Likely benign. Last evaluated: 2024-09-03. Review status: criteria provided, single submitter. Criteria: ACMG Guidelines, 2015. Collection method: clinical testing. Allele origin: germline.

Labcorp Genetics (formerly Invitae), Labcorp
Classification: Uncertain significance. Last evaluated: 2023-12-27. Review status: criteria provided, single submitter. Criteria: Invitae Variant Classification Sherloc (09022015). Collection method: clinical testing. Allele origin: germline.
Comment: This sequence change replaces proline, which is neutral and non-polar, with leucine, which is neutral and non-polar, at codon 2552 of the SPEG protein (p.Pro2552Leu). This variant is present in population databases (rs373771648, gnomAD 0.02%). This variant has not been reported in the literature in individuals affected with SPEG-related conditions. ClinVar contains an entry for this variant (Variation ID: 1927353). Algorithms developed to predict the effect of missense changes on protein structure and function output the following: SIFT: "Not Available"; PolyPhen-2: "Benign"; Align-GVGD: "Not Available". The leucine amino acid residue is found in multiple mammalian species, which suggests that this missense change does not adversely affect protein function. In summary, the available evidence is currently insufficient to determine the role of this variant in disease. Therefore, it has been classified as a Variant of Uncertain Significance.

NM_005876.5(SPEG):c.7655C>T (p.Pro2552Leu)

Genes: ASIC4-AS1 (ASIC4 antisense RNA 1; minus strand), SPEG (striated muscle enriched protein kinase; plus strand). Cytogenetic location: 2q35.
Variant type: single nucleotide variant.
Coding change: c.7655C>T on transcript NM_005876.5 (MANE Select); coding-DNA position 7655, C replaced by T.
Protein change: p.Pro2552Leu; replaces proline 2552 with leucine.
Molecular consequence: missense variant.
Genome position (GRCh38, 1-based): chr2:219,485,391, C>T. VCF-style: chr2-219485391-C-T. GRCh37 (hg19) VCF-style: chr2-220350113-C-T.
Other names: c.7655C>T (NM_005876.4); short protein forms P2552L.
Identifiers: ClinVar variation 1927353 (VCV001927353.5), dbSNP rs373771648, ClinGen allele CA2127241.